The following is an entry in ClinVar:

NC_012920.1(MT-CO3):m.9580A>C

Gene: MT-CO3 (mitochondrially encoded cytochrome c oxidase III; plus strand).
Variant type: single nucleotide variant.
Genome position: chrM-9580-A-C.
Identifiers: ClinVar variation 693185 (VCV000693185.1), dbSNP rs1603222379, ClinGen allele CA414803251.

ClinVar aggregate classification (germline): Uncertain significance (1 of 4 stars; one submission).

Conditions:
Leigh syndrome (NULS). Also called: Leigh's necrotizing encephalopathy; Leigh's disease; Leigh Syndrome (mtDNA deletion); Leigh Disease; Subacute necrotizing encephalopathy; Necrotizing encephalopathy infantile subacute of Leigh. Identifiers: Orphanet 506, MedGen C2931891, MONDO:0009723, OMIM 256000.

Submission:

Wong Mito Lab, Molecular and Human Genetics, Baylor College of Medicine
Classification: Uncertain significance for Leigh syndrome. Last evaluated: 2019-10-17. Review status: criteria provided, single submitter. Criteria: Modified ACMG Guidelines (Unpublished). Collection method: clinical testing. Allele origin: germline.
Comment: The NC_012920.1:m.9580A>C (YP_003024032.1:p.Asn125Thr) variant in MTCO3 gene is interpretated to be a Uncertain Significance variant based on the modified ACMG guidelines (unpublished). This variant meets the following evidence codes: BP4